The following is an entry in ClinVar:

NM_000051.4(ATM):c.7399G>A (p.Val2467Ile)

Genes: ATM (ATM serine/threonine kinase; plus strand), C11orf65 (chromosome 11 open reading frame 65; minus strand). Cytogenetic location: 11q22.3.
Variant type: single nucleotide variant.
Coding change: c.7399G>A on transcript NM_000051.4 (MANE Select); coding-DNA position 7399, G replaced by A.
Protein change: p.Val2467Ile; replaces valine 2467 with isoleucine.
Molecular consequence: missense variant. On other transcripts: intron variant (2).
Genome position (GRCh38, 1-based): chr11:108,330,305, G>A. VCF-style: chr11-108330305-G-A. GRCh37 (hg19) VCF-style: chr11-108201032-G-A.
Other names: c.7399G>A, p.Val2467Ile (NM_001351834.2); c.641-21234C>T (NM_001330368.2); c.*38+4915C>T (NM_001351110.2); short protein forms V2467I.
Identifiers: ClinVar variation 236772 (VCV000236772.29), dbSNP rs769722643, ClinGen allele CA6266107.

ClinVar aggregate classification (germline): Uncertain significance. Review status: criteria provided, multiple submitters, no conflicts (2 of 4 stars). 7 submissions from 7 submitters: Uncertain significance (5). 2 of the submissions do not count toward it. Last evaluated 2026-03-16.

Conditions:
Hereditary cancer-predisposing syndrome. Also called: Neoplastic Syndromes, Hereditary; Hereditary neoplastic syndrome; Tumor predisposition; Hereditary Cancer Syndrome. Identifiers: Orphanet 140162, MedGen C0027672, MeSH D009386, MONDO:0015356.
ATM-related cancer predisposition. Also called: ATM-related cancer susceptibility. Identifiers: MedGen CN377759, MONDO:0700270.
Ataxia-telangiectasia syndrome (AT). Also called: Ataxia telangiectasia (A-T); Cerebello-oculocutaneous telangiectasia; Immunodeficiency with ataxia telangiectasia; LOUIS-BAR SYNDROME; AT, COMPLEMENTATION GROUP C; ATAXIA-TELANGIECTASIA, FRESNO VARIANT. Identifiers: Orphanet 100, MedGen C0004135, MONDO:0008840, OMIM 208900.
Malignant tumor of breast. Also called: Malignant breast neoplasm; Cancer breast. Identifiers: MedGen C0006142, MONDO:0007254. Disease mechanism: loss of function.

Allele frequency attached by ClinVar (database versions not stated): gnomAD exomes 0.00001; ExAC 0.00001.
gnomAD v4.1: 14 of 1,614,186 alleles (0.00087%); highest among the groups gnomAD compares: Admixed American, 0.0017%; no homozygotes.

Submissions (7):

Hema, HEMA – Genetic and Molecular Diagnostic Laboratory
Classification: Uncertain significance for ATM-related cancer predisposition. Last evaluated: 2026-03-16. Review status: criteria provided, single submitter. Criteria: HEMA Variant Classification Assertion Criteria. Collection method: clinical testing. Allele origin: germline.
Comment: The c.7399G>A variant is a transition from guanine to adenine located in the coding region, resulting in the substitution of valine 2467 by isoleucine. PM2_Supporting: Present at very low frequency in the gnomAD v4.1.0 database.

Labcorp Genetics (formerly Invitae), Labcorp
Classification: Uncertain significance for Ataxia-telangiectasia syndrome. Last evaluated: 2024-12-17. Review status: criteria provided, single submitter. Criteria: Invitae Variant Classification Sherloc (09022015). Collection method: clinical testing. Allele origin: germline.
Comment: This sequence change replaces valine, which is neutral and non-polar, with isoleucine, which is neutral and non-polar, at codon 2467 of the ATM protein (p.Val2467Ile). This variant is present in population databases (rs769722643, gnomAD 0.003%). This missense change has been observed in individual(s) with breast cancer (PMID: 29522266, 35534704). ClinVar contains an entry for this variant (Variation ID: 236772). Invitae Evidence Modeling of protein sequence and biophysical properties (such as structural, functional, and spatial information, amino acid conservation, physicochemical variation, residue mobility, and thermodynamic stability) indicates that this missense variant is not expected to disrupt ATM protein function with a negative predictive value of 95%. In summary, the available evidence is currently insufficient to determine the role of this variant in disease. Therefore, it has been classified as a Variant of Uncertain Significance.

Ambry Genetics
Classification: Uncertain significance for Hereditary cancer-predisposing syndrome. Last evaluated: 2024-10-02. Review status: criteria provided, single submitter. Criteria: Ambry Variant Classification Scheme 2023. Collection method: clinical testing. Allele origin: germline.
Comment: The p.V2467I variant (also known as c.7399G>A), located in coding exon 49 of the ATM gene, results from a G to A substitution at nucleotide position 7399. The valine at codon 2467 is replaced by isoleucine, an amino acid with highly similar properties. This variant was detected in multiple individuals with a personal history of breast cancer (Hauke et al. Cancer Med. 2018 Apr;7:1349-1358; Lerner-Ellis J et al. J Cancer Res Clin Oncol, 2021 Mar;147:871-879). This amino acid position is well conserved in available vertebrate species. In addition, this alteration is predicted to be tolerated by in silico analysis. Based on the available evidence, the clinical significance of this variant remains unclear.

GeneDx
Classification: Uncertain significance. Last evaluated: 2024-03-01. Review status: criteria provided, single submitter. Criteria: GeneDx Variant Classification Process June 2021. Collection method: clinical testing. Allele origin: germline. Affected: yes.
Comment: Not observed at significant frequency in large population cohorts (gnomAD); In silico analysis supports that this missense variant does not alter protein structure/function; Identified in individuals with breast cancer as well as an unaffected individual with a family history of breast, ovarian, and other cancers who was also heterozygous for a BRCA1 exonic deletion (PMID: 29522266, 33471991, 34326862); This variant is associated with the following publications: (PMID: 23532176, 33471991, 35534704, 29522266, 34326862)

Color Diagnostics, LLC DBA Color Health
Classification: Uncertain significance for Hereditary cancer-predisposing syndrome. Last evaluated: 2022-03-18. Review status: criteria provided, single submitter. Criteria: ACMG Guidelines, 2015. Collection method: clinical testing. Allele origin: germline.
Comment: This missense variant replaces valine with isoleucine at codon 2467 of the ATM protein. Computational prediction suggests that this variant may not impact protein structure and function (internally defined REVEL score threshold <= 0.5, PMID: 27666373). To our knowledge, functional studies have not been reported for this variant. In a large international case-control study, this variant was reported in 1/60465 breast cancer cases and 0/53461 controls (PMID: 33471991). In another case-control study conducted in Germany, this variant was reported in 1/5589 breast cancer cases (PMID: 29522266). This variant has been identified in 2/251276 chromosomes in the general population by the Genome Aggregation Database (gnomAD). The available evidence is insufficient to determine the role of this variant in disease conclusively. Therefore, this variant is classified as a Variant of Uncertain Significance.

Natera, Inc.
Classification: Uncertain significance for Ataxia-telangiectasia. Last evaluated: 2021-03-24. Review status: no assertion criteria provided. Collection method: clinical testing. Allele origin: germline. Not counted in ClinVar's aggregate classification.

Department of Pathology and Laboratory Medicine, Sinai Health System
Classification: Uncertain significance for Malignant tumor of breast. Review status: no assertion criteria provided. Collection method: clinical testing. Allele origin: unknown. Affected: yes. Study: The Canadian Open Genetics Repository (COGR). Not counted in ClinVar's aggregate classification.
Comment: The ATM p.Val2467Ile variant was not identified in the literature nor was it identified in the LOVD 3.0 database. The variant was identified in dbSNP (ID: rs769722643) as "With Uncertain significance allele", ClinVar (classified as uncertain significance by Invitae).The variant was identified in control databases in 2 of 246038 chromosomes at a frequency of 0.000008 (Genome Aggregation Database Feb 27, 2017). The variant was observed in the following populations: Latino in 1 of 33578 chromosomes (freq: 0.00003), European Non-Finnish in 1 of 111528 chromosomes (freq: 0.000009), while the variant was not observed in the African, Other, Ashkenazi Jewish, East Asian, European Finnish, and South Asian populations. The p.Val2467 residue is conserved in mammals and computational analyses (PolyPhen-2, SIFT, AlignGVGD, BLOSUM, MutationTaster) provide inconsistent predictions regarding the impact to the protein; this information is not very predictive of pathogenicity. The variant occurs outside of the splicing consensus sequence and 1 of 4 in silico or computational prediction software programs (SpliceSiteFinder, MaxEntScan, NNSPLICE, GeneSplicer) predict a greater than 10% difference in splicing; this is not very predictive of pathogenicity. In summary, based on the above information the clinical significance of this variant cannot be determined with certainty at this time. This variant is classified as a variant of uncertain significance.

Literature cited by the submitters: PubMed 29522266 (cited by Labcorp Genetics (formerly Invitae), Labcorp and Color Diagnostics, LLC DBA Color Health); PubMed 35534704 (cited by Labcorp Genetics (formerly Invitae), Labcorp); PubMed 32885271 (cited by Ambry Genetics); PubMed 33471991 (cited by Color Diagnostics, LLC DBA Color Health).